The following is an entry in ClinVar:

NM_001385012.1(NBEA):c.1624C>T (p.Gln542Ter)

Gene: NBEA (neurobeachin; plus strand). Cytogenetic location: 13q13.3.
Variant type: single nucleotide variant.
Coding change: c.1624C>T on transcript NM_001385012.1 (MANE Select); coding-DNA position 1624, C replaced by T.
Protein change: p.Gln542Ter; replaces glutamine 542 with a stop codon.
Molecular consequence: nonsense.
Genome position (GRCh38, 1-based): chr13:35,098,349, C>T. VCF-style: chr13-35098349-C-T. GRCh37 (hg19) VCF-style: chr13-35672486-C-T.
Other names: c.1624C>T, p.Gln542Ter (NM_001379245.1, NM_015678.5); short protein forms Q542*.
Identifiers: ClinVar variation 4759254 (VCV004759254.1).

ClinVar aggregate classification (germline): Likely pathogenic (1 of 4 stars; one submission).

Conditions:
Neurodevelopmental disorder with or without early-onset generalized epilepsy. Identifiers: MedGen C5436914, MONDO:0030930, OMIM 619157.

Submission:

Variantyx, Inc.
Classification: Likely pathogenic for Neurodevelopmental disorder with or without early-onset generalized epilepsy. Last evaluated: 2025-03-25. Review status: criteria provided, single submitter. Criteria: Variantyx Assertion Criteria 2022. Collection method: clinical testing. Allele origin: maternal. Affected: yes.
Comment: This is a nonsense variant in the NBEA gene (OMIM: 604889). Pathogenic variants in this gene have been associated with autosomal dominant neurodevelopmental disorder with or without early-onset generalized epilepsy. This variant introduces a premature termination codon in exon 11 out of 59. It is expected to result in loss of function, which is a known disease mechanism for NBEA in this disorder (PMID: 30269351, 34412939) (PVS1). This variant is absent from control populations (PM2_Supporting). This variant has not been reported in individuals with NBEA-related disorders in the databases available for review. Based on the current evidence, this variant is classified as likely pathogenic for autosomal dominant neurodevelopmental disorder with or without early-onset generalized epilepsy.